The following is an entry in ClinVar:

ClinVar aggregate classification (germline): Benign. Review status: criteria provided, single submitter (1 of 4 stars). 2 submissions from 2 submitters: Benign (1). 1 of the submissions does not count toward it. Last evaluated 2018-03-29.

Conditions:
DGKD-related disorder. Also called: DGKD-related condition.

Allele frequency attached by ClinVar (database versions not stated): gnomAD exomes 0.00112; ExAC 0.00143; gnomAD 0.00398 and 0.00419; TOPMed 0.00438; ESP Exome Variant Server 0.00477; 1000 Genomes Project 0.00559; 1000 Genomes Project 30x 0.00578.
gnomAD v4.1: 1,262 of 1,611,834 alleles (0.078%); highest among the groups gnomAD compares: African/African-American, 1.3%; 14 homozygotes.

Submissions (2):

Labcorp Genetics (formerly Invitae), Labcorp
Classification: Benign. Last evaluated: 2018-03-29. Review status: criteria provided, single submitter. Criteria: Invitae Variant Classification Sherloc (09022015). Collection method: clinical testing. Allele origin: germline.

PreventionGenetics, part of Exact Sciences
Classification: Benign for DGKD-related condition. Last evaluated: 2019-02-18. Review status: no assertion criteria provided. Collection method: clinical testing. Allele origin: germline. Not counted in ClinVar's aggregate classification.
Comment: This variant is classified as benign based on ACMG/AMP sequence variant interpretation guidelines (Richards et al. 2015 PMID: 25741868, with internal and published modifications).

NM_152879.3(DGKD):c.1614+10C>T

Gene: DGKD (diacylglycerol kinase delta; plus strand). Cytogenetic location: 2q37.1.
Variant type: single nucleotide variant.
Coding change: c.1614+10C>T on transcript NM_152879.3 (MANE Select); 10 bases into the intron after coding-DNA position 1614, C replaced by T.
Molecular consequence: intron variant.
Genome position (GRCh38, 1-based): chr2:233,448,385, C>T. VCF-style: chr2-233448385-C-T. GRCh37 (hg19) VCF-style: chr2-234357031-C-T.
Other names: c.1482+10C>T (NM_003648.3).
Identifiers: ClinVar variation 729795 (VCV000729795.5), dbSNP rs74761374, ClinGen allele CA2175322.